The following is an entry in ClinVar:

ClinVar aggregate classification (germline): Pathogenic (1 of 4 stars; one submission).

Conditions:
Familial cancer of breast. Also called: BREAST CANCER, FAMILIAL; hereditary breast carcinoma; Hereditary breast cancer. Identifiers: Orphanet 227535, MedGen C0346153, MONDO:0016419, OMIM 114480. Disease mechanism: loss of function.

Submission:

Labcorp Genetics (formerly Invitae), Labcorp
Classification: Pathogenic for Familial cancer of breast. Last evaluated: 2017-07-28. Review status: criteria provided, single submitter. Criteria: Invitae Variant Classification Sherloc (09022015). Collection method: clinical testing. Allele origin: germline.
Comment: This variant is a gross deletion of the genomic region encompassing exons 8-15 of the CHEK2 gene. The 5' boundary is likely confined to intron 7. The 3' end of this event is unknown as it extends through the termination codon beyond the assayed region for this gene and may encompass additional genes. While this deletion is not anticipated to result in nonsense mediated decay, it is expected to create a truncated protein product or disrupt mRNA translation. This variant has not been reported in the literature in individuals with CHEK2-related disease. This deletion partially removes the kinase domain (residues 226-486), and the NLS (nuclear localization signal, residues 515-522), which are important for normal CHEK2 protein function (PMID: 11733767, 15279791, 19782031, 12909615, 18004398, 24879340). Smaller in-frame deletions and truncations in this region have been determined to be pathogenic in the Invitae database, suggesting that deletion of this region of the CHEK2 protein is causative of disease. For these reasons, this variant has been classified as Pathogenic.

NC_000022.11:g.(?_28687891)_(28703572_?)del

Gene: CHEK2 (checkpoint kinase 2; minus strand). Cytogenetic location: 22q12.1.
Variant type: Deletion.
Identifiers: ClinVar variation 460666 (VCV000460666.2).